The following is an entry in ClinVar:

NM_139321.3(ATRN):c.1696A>G (p.Met566Val)

Gene: ATRN (attractin; plus strand). Cytogenetic location: 20p13.
Variant type: single nucleotide variant.
Coding change: c.1696A>G on transcript NM_139321.3 (MANE Select); coding-DNA position 1696, A replaced by G.
Protein change: p.Met566Val; replaces methionine 566 with valine.
Molecular consequence: missense variant.
Genome position (GRCh38, 1-based): chr20:3,563,273, A>G. VCF-style: chr20-3563273-A-G. GRCh37 (hg19) VCF-style: chr20-3543920-A-G.
Other names: c.1348A>G, p.Met450Val (NM_001207047.3); c.1696A>G, p.Met566Val (NM_001323332.2, NM_139322.4); short protein forms M566V, M450V.
Identifiers: ClinVar variation 2538094 (VCV002538094.5), dbSNP rs1226569433, ClinGen allele CA408255243.

ClinVar aggregate classification (germline): Uncertain significance. Review status: criteria provided, multiple submitters, no conflicts (2 of 4 stars). 2 submissions from 2 submitters: Uncertain significance (2). Last evaluated 2025-11-24.

Allele frequency attached by ClinVar (database versions not stated): TOPMed 0.00002; gnomAD exomes 0.00001; gnomAD 0.00002.
gnomAD v4.1: 23 of 1,614,072 alleles (0.0014%); highest among the groups gnomAD compares: South Asian, 0.0033%; no homozygotes.

Submissions (2):

Labcorp Genetics (formerly Invitae), Labcorp
Classification: Uncertain significance. Last evaluated: 2025-11-24. Review status: criteria provided, single submitter. Criteria: Invitae Variant Classification Sherloc (09022015). Collection method: clinical testing. Allele origin: germline.
Comment: This sequence change replaces methionine, which is neutral and non-polar, with valine, which is neutral and non-polar, at codon 566 of the ATRN protein (p.Met566Val). This variant is present in population databases (no rsID available, gnomAD 0.002%). This variant has not been reported in the literature in individuals affected with ATRN-related conditions. ClinVar contains an entry for this variant (Variation ID: 2538094). An algorithm developed to predict the effect of missense changes on protein structure and function (PolyPhen-2) suggests that this variant is likely to be tolerated. In summary, the available evidence is currently insufficient to determine the role of this variant in disease. Therefore, it has been classified as a Variant of Uncertain Significance.

Ambry Genetics
Classification: Uncertain significance. Last evaluated: 2023-04-18. Review status: criteria provided, single submitter. Criteria: Ambry Variant Classification Scheme 2023. Collection method: clinical testing. Allele origin: germline.